The following is an entry in ClinVar:

ClinVar aggregate classification (germline): Likely benign. Review status: criteria provided, multiple submitters, no conflicts (2 of 4 stars). 4 submissions from 4 submitters: Likely benign (4). Last evaluated 2026-01-13.

Conditions:
Hereditary nonpolyposis colorectal neoplasms. Identifiers: MedGen C0009405, MeSH D003123.
Hereditary cancer-predisposing syndrome. Also called: Tumor predisposition; Neoplastic Syndromes, Hereditary; Hereditary neoplastic syndrome; Hereditary Cancer Syndrome. Identifiers: Orphanet 140162, MedGen C0027672, MeSH D009386, MONDO:0015356.
Lynch syndrome. Identifiers: Orphanet 144, MedGen C4552100, MONDO:0005835. Disease mechanism: loss of function.
Lynch syndrome 4 (LYNCH4). Also called: Colorectal cancer, hereditary nonpolyposis, type 4; Hereditary non-polyposis colorectal cancer, type 4. Identifiers: Orphanet 144, MedGen C1838333, MONDO:0013699, OMIM 614337. Disease mechanism: loss of function.

Allele frequency attached by ClinVar (database versions not stated): gnomAD exomes below 0.00001; gnomAD 0.00001; TOPMed 0.00001.
gnomAD v4.1: 3 of 1,612,560 alleles (0.00019%); highest among the groups gnomAD compares: Non-Finnish European, 0.00025%; no homozygotes.

Submissions (4):

Labcorp Genetics (formerly Invitae), Labcorp
Classification: Likely benign for Hereditary nonpolyposis colorectal neoplasms. Last evaluated: 2026-01-13. Review status: criteria provided, single submitter. Criteria: Invitae Variant Classification Sherloc (09022015). Collection method: clinical testing. Allele origin: germline.

Myriad Genetics, Inc.
Classification: Likely benign for Lynch syndrome 4. Last evaluated: 2025-01-23. Review status: criteria provided, single submitter. Criteria: Myriad Autosomal Dominant, Autosomal Recessive and X-Linked Classification Criteria (2023). Collection method: clinical testing. Allele origin: unknown.
Comment: This variant is considered likely benign. This variant is intronic and is not expected to impact mRNA splicing.

Department of Pathology and Laboratory Medicine, Sinai Health System
Classification: Likely benign for Lynch syndrome. Last evaluated: 2024-01-09. Review status: criteria provided, single submitter. Criteria: ACMG Guidelines, 2015. Collection method: clinical testing. Allele origin: germline. Affected: yes.

Color Diagnostics, LLC DBA Color Health
Classification: Likely benign for Hereditary cancer-predisposing syndrome. Last evaluated: 2017-08-09. Review status: criteria provided, single submitter. Criteria: ACMG Guidelines, 2015. Collection method: clinical testing. Allele origin: germline.

NM_000535.7(PMS2):c.23+9G>A

Gene: PMS2 (PMS1 homolog 2, mismatch repair system component; minus strand). Cytogenetic location: 7p22.1.
Variant type: single nucleotide variant.
Coding change: c.23+9G>A on transcript NM_000535.7 (MANE Select); 9 bases into the intron after coding-DNA position 23, G replaced by A.
Molecular consequence: intron variant. On other transcripts: 5 prime UTR variant (2).
Genome position (GRCh38, 1-based): chr7:6,008,988, C>T on the plus strand (G>A on the coding strand, the complement: PMS2 is on the minus strand). VCF-style: chr7-6008988-C-T. GRCh37 (hg19) VCF-style: chr7-6048619-C-T.
Other names: c.-564G>A (NM_001322005.2); c.-559G>A (NM_001322009.2); c.-53+9G>A (NM_001322008.2); c.-243+9G>A (NM_001322010.2, NM_001322004.2); c.-378+9G>A (NM_001322013.2, NM_001322003.2); c.-857+9G>A (NM_001322012.2); c.-457+9G>A (NM_001322015.2); c.-193+9G>A (NM_001322007.2); and 2 more.
Identifiers: ClinVar variation 416556 (VCV000416556.16), dbSNP rs1046717239, ClinGen allele CA16612239.
Genomic context (GRCh38, chr7:6,008,988, plus strand): 5'-GTTGGAATGCCGTGGGTCTCAAAGAGGGCGCGCGAGAGGGGACACCGGAAGACTGCGAGC[C>T]CCGCTCACCTCGAGCTCTCAGCTCGCTCCATGGATGCAACACCCGATCCGCCTCGGGGAC-3'